The following is an entry in ClinVar:

NM_001365536.1(SCN9A):c.4499C>A (p.Pro1500Gln)

Genes: SCN1A-AS1 (SCN1A and SCN9A antisense RNA 1; plus strand), SCN9A (sodium voltage-gated channel alpha subunit 9; minus strand). Cytogenetic location: 2q24.3.
Variant type: single nucleotide variant.
Coding change: c.4499C>A on transcript NM_001365536.1 (MANE Select); coding-DNA position 4499, C replaced by A.
Protein change: p.Pro1500Gln; replaces proline 1500 with glutamine.
Molecular consequence: missense variant.
Genome position (GRCh38, 1-based): chr2:166,204,364, G>T on the plus strand (C>A on the coding strand, the complement: SCN9A is on the minus strand). VCF-style: chr2-166204364-G-T. GRCh37 (hg19) VCF-style: chr2-167060874-G-T.
Other names: c.4466C>A, p.Pro1489Gln (NM_002977.4); short protein forms P1500Q, P1489Q.
Identifiers: ClinVar variation 2188459 (VCV002188459.4), dbSNP rs1292433962, ClinGen allele CA349058125.

ClinVar aggregate classification (germline): Uncertain significance (1 of 4 stars; one submission).

Conditions:
Neuropathy, hereditary sensory and autonomic, type 2A (HSAN2A). Also called: WNK1-Related HSAN2 (HSAN2A); MORVAN DISEASE; NEUROPATHY, CONGENITAL SENSORY; NEUROPATHY, HEREDITARY SENSORY RADICULAR, AUTOSOMAL RECESSIVE; NEUROPATHY, HEREDITARY SENSORY, TYPE IIA; NEUROPATHY, PROGRESSIVE SENSORY, OF CHILDREN. Identifiers: Orphanet 970, MedGen C2752089, MONDO:0024309, OMIM 201300.
Generalized epilepsy with febrile seizures plus, type 7 (GEFSP7). Also called: GEFS+, TYPE 7. Identifiers: Orphanet 36387, MedGen C2751778, MONDO:0013470, OMIM 613863.

Allele frequency attached by ClinVar (database versions not stated): TOPMed below 0.00001.

Submission:

Labcorp Genetics (formerly Invitae), Labcorp
Classification: Uncertain significance for Neuropathy, hereditary sensory and autonomic, type 2A; Generalized epilepsy with febrile seizures plus, type 7. Last evaluated: 2024-10-01. Review status: criteria provided, single submitter. Criteria: Invitae Variant Classification Sherloc (09022015). Collection method: clinical testing. Allele origin: germline.
Comment: This sequence change replaces proline, which is neutral and non-polar, with glutamine, which is neutral and polar, at codon 1489 of the SCN9A protein (p.Pro1489Gln). This variant is not present in population databases (gnomAD no frequency). This variant has not been reported in the literature in individuals affected with SCN9A-related conditions. ClinVar contains an entry for this variant (Variation ID: 2188459). Invitae Evidence Modeling of protein sequence and biophysical properties (such as structural, functional, and spatial information, amino acid conservation, physicochemical variation, residue mobility, and thermodynamic stability) has been performed for this missense variant. However, the output from this modeling did not meet the statistical confidence thresholds required to predict the impact of this variant on SCN9A protein function. In summary, the available evidence is currently insufficient to determine the role of this variant in disease. Therefore, it has been classified as a Variant of Uncertain Significance.